The following is an entry in ClinVar:

ClinVar aggregate classification (germline): Uncertain significance (1 of 4 stars; one submission).

Submission:

GeneDx
Classification: Uncertain significance. Last evaluated: 2019-05-28. Review status: criteria provided, single submitter. Criteria: GeneDx Variant Classification Process June 2021. Collection method: clinical testing. Allele origin: germline. Affected: yes.
Comment: Not observed in large population cohorts (Lek et al., 2016); In silico analysis, which includes protein predictors and evolutionary conservation, supports a deleterious effect; Has not been previously published as pathogenic or benign to our knowledge

NM_001348323.3(TRIP12):c.2843T>C (p.Leu948Pro)

Gene: TRIP12 (thyroid hormone receptor interactor 12; minus strand). Cytogenetic location: 2q36.3.
Variant type: single nucleotide variant.
Coding change: c.2843T>C on transcript NM_001348323.3 (MANE Select); coding-DNA position 2843, T replaced by C.
Protein change: p.Leu948Pro; replaces leucine 948 with proline.
Molecular consequence: missense variant.
Genome position (GRCh38, 1-based): chr2:229,804,035, A>G on the plus strand (T>C on the coding strand, the complement: TRIP12 is on the minus strand). VCF-style: chr2-229804035-A-G. GRCh37 (hg19) VCF-style: chr2-230668751-A-G.
Other names: c.2762T>C, p.Leu921Pro (NM_001284214.2, NM_001348315.2); c.2717T>C, p.Leu906Pro (NM_001284215.2, NM_001348316.2, NM_001348317.1 and 1 more transcripts); c.1808T>C, p.Leu603Pro (NM_001284216.2); c.2843T>C, p.Leu948Pro (NM_001348319.1, NM_001348320.2, NM_001348322.1 and 4 more transcripts); c.2846T>C, p.Leu949Pro (NM_001348321.1, NM_001348328.1, NM_001348329.2 and 1 more transcripts); c.2636T>C, p.Leu879Pro (NM_001348331.1); c.2756T>C, p.Leu919Pro (NM_001348332.1); c.2765T>C, p.Leu922Pro (NM_001348333.1); and 1 more; short protein forms L603P, L873P, L879P, L906P, L919P, L921P, L922P, L948P.
Identifiers: ClinVar variation 1306089 (VCV001306089.2), dbSNP rs971769755, ClinGen allele CA66704831.